The following is an entry in ClinVar:

NM_001003787.4(STRADA):c.1144del (p.Ile382fs)

Gene: STRADA (STE20 related adaptor alpha; minus strand). Cytogenetic location: 17q23.3.
Variant type: Deletion.
Coding change: c.1144del on transcript NM_001003787.4 (MANE Select); coding-DNA position 1144, one base deleted (A; older notation c.1144delA).
Protein change: p.Ile382fs; shifts the reading frame from isoleucine 382.
Molecular consequence: frameshift variant. On other transcripts: 3 prime UTR variant (6), non-coding transcript variant (1).
Genome position (GRCh38, 1-based): chr17:63,703,751, T deleted on the plus strand (A on the coding strand, the reverse complement: STRADA is on the minus strand). VCF-style (leftmost placement, unchanged base first): chr17-63703750-AT-A. GRCh37 (hg19) VCF-style: chr17-61781110-AT-A.
Other names: c.1033del, p.Ile345fs (NM_001003786.3); c.970del, p.Ile324fs (NM_001003788.3); c.*21del (NM_001165969.2, NM_001165970.2, NM_001363788.1 and 2 more transcripts); c.1120del, p.Ile374fs (NM_001363786.1); c.1057del, p.Ile353fs (NM_001363787.1); c.836del, p.Asp279fs (NM_001363790.1); c.*532del (NM_153335.6); short protein forms I345fs, D279fs, I353fs, I324fs, I374fs, I382fs.
Identifiers: ClinVar variation 1038348 (VCV001038348.8), dbSNP rs528852128, ClinGen allele CA292940743.

ClinVar aggregate classification (germline): Uncertain significance (1 of 4 stars; one submission).

Conditions:
Polyhydramnios, megalencephaly, and symptomatic epilepsy (PMSE). Also called: PMSE SYNDROME. Identifiers: Orphanet 500533, MedGen C1970203, MONDO:0012611, OMIM 611087.

Allele frequency attached by ClinVar (database versions not stated): gnomAD exomes below 0.00001; TOPMed below 0.00001.

Submission:

Labcorp Genetics (formerly Invitae), Labcorp
Classification: Uncertain significance for Polyhydramnios, megalencephaly, and symptomatic epilepsy. Last evaluated: 2022-10-17. Review status: criteria provided, single submitter. Criteria: Invitae Variant Classification Sherloc (09022015). Collection method: clinical testing. Allele origin: germline.
Comment: This variant is not present in population databases (gnomAD no frequency). In summary, the available evidence is currently insufficient to determine the role of this variant in disease. Therefore, it has been classified as a Variant of Uncertain Significance. Algorithms developed to predict the effect of sequence changes on RNA splicing suggest that this variant may disrupt the consensus splice site. ClinVar contains an entry for this variant (Variation ID: 1038348). This variant has not been reported in the literature in individuals affected with STRADA-related conditions. This sequence change creates a premature translational stop signal (p.Ile382Serfs*37) in the STRADA gene. While this is not anticipated to result in nonsense mediated decay, it is expected to disrupt the last 50 amino acid(s) of the STRADA protein.